The following is an entry in ClinVar:

NM_006940.6(SOX5):c.914G>A (p.Ser305Asn)

Gene: SOX5 (SRY-box transcription factor 5; minus strand). Cytogenetic location: 12p12.1.
Variant type: single nucleotide variant.
Coding change: c.914G>A on transcript NM_006940.6 (MANE Select); coding-DNA position 914, G replaced by A.
Protein change: p.Ser305Asn; replaces serine 305 with asparagine.
Molecular consequence: missense variant.
Genome position (GRCh38, 1-based): chr12:23,665,461, C>T on the plus strand (G>A on the coding strand, the complement: SOX5 is on the minus strand). VCF-style: chr12-23665461-C-T. GRCh37 (hg19) VCF-style: chr12-23818395-C-T.
Other names: c.875G>A, p.Ser292Asn (NM_001261414.3, NM_152989.5); c.884G>A, p.Ser295Asn (NM_001261415.3); c.809G>A, p.Ser270Asn (NM_001330785.2); short protein forms S270N, S292N, S295N, S305N.
Identifiers: ClinVar variation 1806023 (VCV001806023.1), dbSNP rs778494618, ClinGen allele CA384318239.
Genomic context (GRCh38, chr12:23,665,461, plus strand): 5'-TTGCCCTCCACCCACTCCCAGATGAAAAATCAACAGTACTTACTACATCCAGCCTTATAG[C>T]TGAAGCCTGGAGGGAGGAGGAATCCTTGCTGGGCAGCTGCAGCCAGTGTCCGTTGATCAG-3'
Protein context (NP_008871.3, residues 295-315): QQGFLLPPGF[Ser305Asn]YKAGCSDPYP

ClinVar aggregate classification (germline): Uncertain significance (1 of 4 stars; one submission).

Conditions:
Lamb-Shaffer syndrome. Identifiers: Orphanet 313884, Orphanet 313892, Orphanet 530983, MedGen C4225202, MONDO:0014778, OMIM 616803.

gnomAD v4.1: 1 of 1,613,434 alleles (0.000062%); highest among the groups gnomAD compares: Non-Finnish European, 0.000085%; no homozygotes.

Submission:

Victorian Clinical Genetics Services, Murdoch Childrens Research Institute
Classification: Uncertain significance for Lamb-Shaffer syndrome. Last evaluated: 2020-05-26. Review status: criteria provided, single submitter. Criteria: ACMG Guidelines, 2015. Collection method: clinical testing. Allele origin: germline. Inheritance: Autosomal dominant inheritance. Affected: yes.
Comment: Based on the classification scheme VCGS_Germline_v1.1.1, this variant is classified as VUS – 3B. Following criteria are met: 0102 - Loss-of-function is a known mechanism of disease for this gene. (N) 0107 - This gene is known to be associated with autosomal dominant disease. (N) 0200 - Variant is predicted to result in a missense amino acid change from serine to asparagine (exon 7). (N) 0251 - Variant is heterozygous. (N) 0301 - Variant is absent from gnomAD. (P) 0309 - An alternative amino acid change at the same position has been observed in gnomAD (2 heterozygotes, 0 homozygotes). (N) 0502 - Missense variant with conflicting in silico predictions and/or uninformative conservation. (N) 0604 - Variant is not located in an established domain, motif, hotspot or informative constraint region. (N) 0705 - No comparable variants have previous evidence for pathogenicity. (N) 0807 - Variant has not previously been reported in a clinical context. (N) 0905 - No segregation evidence has been identified for this variant. (N) 1007 - No published functional evidence has been identified for this variant. (N) 1208 - Inheritance information for this variant is not currently available. (N) Legend: (P) - Pathogenic, (N) - Neutral, (B) - Benign